The following is an entry in ClinVar:

NM_016247.4(IMPG2):c.568A>T (p.Thr190Ser)

Gene: IMPG2 (interphotoreceptor matrix proteoglycan 2; minus strand). Cytogenetic location: 3q12.3.
Variant type: single nucleotide variant.
Coding change: c.568A>T on transcript NM_016247.4 (MANE Select); coding-DNA position 568, A replaced by T.
Protein change: p.Thr190Ser; replaces threonine 190 with serine.
Molecular consequence: missense variant.
Genome position (GRCh38, 1-based): chr3:101,276,679, T>A on the plus strand (A>T on the coding strand, the complement: IMPG2 is on the minus strand). VCF-style: chr3-101276679-T-A. GRCh37 (hg19) VCF-style: chr3-100995523-T-A.
Other names: short protein forms T190S.
Identifiers: ClinVar variation 1525330 (VCV001525330.6), dbSNP rs2107253880, ClinGen allele CA353868425.

ClinVar aggregate classification (germline): Uncertain significance (1 of 4 stars; one submission).

Submission:

Labcorp Genetics (formerly Invitae), Labcorp
Classification: Uncertain significance. Last evaluated: 2022-07-06. Review status: criteria provided, single submitter. Criteria: Invitae Variant Classification Sherloc (09022015). Collection method: clinical testing. Allele origin: germline.
Comment: This sequence change replaces threonine, which is neutral and polar, with serine, which is neutral and polar, at codon 190 of the IMPG2 protein (p.Thr190Ser). In summary, the available evidence is currently insufficient to determine the role of this variant in disease. Therefore, it has been classified as a Variant of Uncertain Significance. Algorithms developed to predict the effect of missense changes on protein structure and function output the following: SIFT: "Tolerated"; PolyPhen-2: "Benign"; Align-GVGD: "Class C0". The serine amino acid residue is found in multiple mammalian species, which suggests that this missense change does not adversely affect protein function. ClinVar contains an entry for this variant (Variation ID: 1525330). This variant has not been reported in the literature in individuals affected with IMPG2-related conditions. This variant is not present in population databases (gnomAD no frequency).